The following is an entry in ClinVar:

ClinVar aggregate classification (germline): Uncertain significance (1 of 4 stars; one submission).

Allele frequency attached by ClinVar (database versions not stated): TOPMed below 0.00001.

Submission:

Labcorp Genetics (formerly Invitae), Labcorp
Classification: Uncertain significance. Last evaluated: 2023-12-17. Review status: criteria provided, single submitter. Criteria: Invitae Variant Classification Sherloc (09022015). Collection method: clinical testing. Allele origin: germline.
Comment: This sequence change replaces proline, which is neutral and non-polar, with leucine, which is neutral and non-polar, at codon 786 of the KMT2A protein (p.Pro786Leu). This variant is not present in population databases (gnomAD no frequency). This variant has not been reported in the literature in individuals affected with KMT2A-related conditions. Advanced modeling of protein sequence and biophysical properties (such as structural, functional, and spatial information, amino acid conservation, physicochemical variation, residue mobility, and thermodynamic stability) has been performed at Invitae for this missense variant, however the output from this modeling did not meet the statistical confidence thresholds required to predict the impact of this variant on KMT2A protein function. In summary, the available evidence is currently insufficient to determine the role of this variant in disease. Therefore, it has been classified as a Variant of Uncertain Significance.

NM_001197104.2(KMT2A):c.2357C>T (p.Pro786Leu)

Gene: KMT2A (lysine methyltransferase 2A; plus strand). Cytogenetic location: 11q23.3.
Variant type: single nucleotide variant.
Coding change: c.2357C>T on transcript NM_001197104.2 (MANE Select); coding-DNA position 2357, C replaced by T.
Protein change: p.Pro786Leu; replaces proline 786 with leucine.
Molecular consequence: missense variant.
Genome position (GRCh38, 1-based): chr11:118,473,516, C>T. VCF-style: chr11-118473516-C-T. GRCh37 (hg19) VCF-style: chr11-118344231-C-T.
Other names: c.2456C>T, p.Pro819Leu (NM_001412597.1); c.2357C>T, p.Pro786Leu (NM_005933.4); short protein forms P786L, P819L.
Identifiers: ClinVar variation 2703777 (VCV002703777.3), dbSNP rs1949980724, ClinGen allele CA382814819.